The following is an entry in ClinVar:

NM_016151.4(TAOK2):c.2225G>A (p.Ser742Asn)

Gene: TAOK2 (TAO kinase 2; plus strand). Cytogenetic location: 16p11.2.
Variant type: single nucleotide variant.
Coding change: c.2225G>A on transcript NM_016151.4 (MANE Select); coding-DNA position 2225, G replaced by A.
Protein change: p.Ser742Asn; replaces serine 742 with asparagine.
Molecular consequence: missense variant.
Genome position (GRCh38, 1-based): chr16:29,986,497, G>A. VCF-style: chr16-29986497-G-A. GRCh37 (hg19) VCF-style: chr16-29997818-G-A.
Other names: c.2225G>A, p.Ser742Asn (NM_001252043.2, NM_004783.4); short protein forms S742N.
Identifiers: ClinVar variation 4806432 (VCV004806432.1).

ClinVar aggregate classification (germline): Uncertain significance (1 of 4 stars; one submission).

gnomAD v4.1: 9 of 1,608,992 alleles (0.00056%); highest among the groups gnomAD compares: Non-Finnish European, 0.00076%; no homozygotes.

Submission:

Labcorp Genetics (formerly Invitae), Labcorp
Classification: Uncertain significance. Last evaluated: 2026-01-27. Review status: criteria provided, single submitter. Criteria: Invitae Variant Classification Sherloc (09022015). Collection method: clinical testing. Allele origin: germline.
Comment: This sequence change replaces serine, which is neutral and polar, with asparagine, which is neutral and polar, at codon 742 of the TAOK2 protein (p.Ser742Asn). This variant is present in population databases (rs776001863, gnomAD 0.002%). This variant has not been reported in the literature in individuals affected with TAOK2-related conditions. An algorithm developed to predict the effect of missense changes on protein structure and function (PolyPhen-2) suggests that this variant is likely to be tolerated. In summary, the available evidence is currently insufficient to determine the role of this variant in disease. Therefore, it has been classified as a Variant of Uncertain Significance.